The following is an entry in ClinVar:

ClinVar aggregate classification (germline): Uncertain significance. Review status: criteria provided, multiple submitters, no conflicts (2 of 4 stars). 2 submissions from 2 submitters: Uncertain significance (2). Last evaluated 2025-07-15.

Allele frequency attached by ClinVar (database versions not stated): gnomAD 0.00003; ExAC 0.00005.
gnomAD v4.1: 35 of 1,613,824 alleles (0.0022%); highest among the groups gnomAD compares: Admixed American, 0.017%; no homozygotes.

Submissions (2):

Labcorp Genetics (formerly Invitae), Labcorp
Classification: Uncertain significance. Last evaluated: 2025-07-15. Review status: criteria provided, single submitter. Criteria: Invitae Variant Classification Sherloc (09022015). Collection method: clinical testing. Allele origin: germline.
Comment: This sequence change replaces glutamine, which is neutral and polar, with histidine, which is basic and polar, at codon 639 of the C1S protein (p.Gln639His). This variant is present in population databases (rs781843228, gnomAD 0.06%). This variant has not been reported in the literature in individuals affected with C1S-related conditions. ClinVar contains an entry for this variant (Variation ID: 2416660). Invitae Evidence Modeling of protein sequence and biophysical properties (such as structural, functional, and spatial information, amino acid conservation, physicochemical variation, residue mobility, and thermodynamic stability) has been performed for this missense variant. However, the output from this modeling did not meet the statistical confidence thresholds required to predict the impact of this variant on C1S protein function. In summary, the available evidence is currently insufficient to determine the role of this variant in disease. Therefore, it has been classified as a Variant of Uncertain Significance.

Women's Health and Genetics/Laboratory Corporation of America, LabCorp
Classification: Uncertain significance. Last evaluated: 2025-02-18. Review status: criteria provided, single submitter. Criteria: LabCorp Variant Classification Summary - May 2015. Collection method: clinical testing. Allele origin: germline.
Comment: Variant summary: C1S c.1917G>C (p.Gln639His) results in a non-conservative amino acid change located in the Serine proteases, trypsin domain profile (IPR001254) of the encoded protein sequence. Four of five in-silico tools predict a benign effect of the variant on protein function. The variant allele was found at a frequency of 6.4e-05 in 250952 control chromosomes. This frequency is not significantly higher than estimated for a pathogenic variant in C1S causing Complement component C1s deficiency, allowing no conclusion about variant significance. To our knowledge, no occurrence of c.1917G>C in individuals affected with Complement component C1s deficiency and no experimental evidence demonstrating its impact on protein function have been reported. ClinVar contains an entry for this variant (Variation ID: 2416660). Based on the evidence outlined above, the variant was classified as uncertain significance.

NM_001734.5(C1S):c.1917G>C (p.Gln639His)

Gene: C1S (complement C1s; plus strand). Cytogenetic location: 12p13.31.
Variant type: single nucleotide variant.
Coding change: c.1917G>C on transcript NM_001734.5 (MANE Select); coding-DNA position 1917, G replaced by C.
Protein change: p.Gln639His; replaces glutamine 639 with histidine.
Molecular consequence: missense variant.
Genome position (GRCh38, 1-based): chr12:7,070,501, G>C. VCF-style: chr12-7070501-G-C. GRCh37 (hg19) VCF-style: chr12-7177805-G-C.
Other names: c.1416G>C, p.Gln472His (NM_001346850.2); c.1917G>C, p.Gln639His (NM_201442.4); short protein forms Q472H, Q639H.
Identifiers: ClinVar variation 2416660 (VCV002416660.7), dbSNP rs781843228, ClinGen allele CA6423855.